The following is an entry in ClinVar:

ClinVar aggregate classification (germline): Pathogenic (1 of 4 stars; one submission).

Submission:

GeneDx
Classification: Pathogenic. Last evaluated: 2019-04-09. Review status: criteria provided, single submitter. Criteria: GeneDx Variant Classification (06012015). Collection method: clinical testing. Allele origin: germline. Affected: yes.
Comment: The c.3016_3017delCA variant in the ALMS1 gene has not been reported previously as a pathogenic variant nor as a benign variant, to our knowledge. The c.3016_3017delCA variant causes a frameshift, changing codon Histidine 1006 to a premature Stop codon, denoted p.His1006Ter. This variant is predicted to cause loss of normal protein function either through protein truncation or nonsense-mediated mRNA decay. The c.3016_3017delCA variant is not observed in large population cohorts (Lek et al., 2016). We interpret c.3016_3017delCA as a pathogenic variant.

NM_001378454.1(ALMS1):c.3013_3014del (p.Ser1004_His1005insTer)

Gene: ALMS1 (ALMS1 centrosome and basal body associated protein; plus strand). Cytogenetic location: 2p13.1.
Variant type: Microsatellite.
Coding change: c.3013_3014del on transcript NM_001378454.1 (MANE Select); coding-DNA positions 3013 to 3014, 2 bases deleted (CA; older notation c.3013_3014delCA).
Protein change: p.Ser1004_His1005insTer.
Molecular consequence: nonsense.
Genome position (GRCh38, 1-based): chr2:73,449,540-73,449,541, CA deleted; deleting any 2 consecutive bases within chr2:73,449,538-73,449,541 gives the same sequence; the c. name uses the placement nearest the transcript's 3' end. VCF-style (leftmost placement, unchanged base first): chr2-73449537-TCA-T. GRCh37 (hg19) VCF-style: chr2-73676664-TCA-T.
Other names: c.3016_3017del, p.Ser1005_His1006insTer (NM_015120.4); c.3016_3017delCA (NM_015120.4).
Identifiers: ClinVar variation 817572 (VCV000817572.1), dbSNP rs1572933385, ClinGen allele CA915944040.